The following is an entry in ClinVar:

ClinVar aggregate classification (germline): Likely benign (1 of 4 stars; one submission).

Conditions:
KSR2-related disorder. Also called: KSR2-related condition.

gnomAD v4.1: 43 of 1,613,562 alleles (0.0027%); highest among the groups gnomAD compares: South Asian, 0.032%; no homozygotes.

Submission:

PreventionGenetics, part of Exact Sciences
Classification: Likely benign for KSR2-related condition. Last evaluated: 2024-10-07. Review status: criteria provided, single submitter. Criteria: ACMG Guidelines, 2015. Collection method: clinical testing. Allele origin: germline.
Comment: This variant is classified as likely benign based on ACMG/AMP sequence variant interpretation guidelines (Richards et al. 2015 PMID: 25741868, with internal and published modifications).

NM_173598.6(KSR2):c.1785G>A (p.Pro595=)

Gene: KSR2 (kinase suppressor of ras 2; minus strand). Cytogenetic location: 12q24.22.
Variant type: single nucleotide variant.
Coding change: c.1785G>A on transcript NM_173598.6 (MANE Select); coding-DNA position 1785, G replaced by A.
Protein change: p.Pro595=; no amino-acid change (proline 595 retained).
Molecular consequence: synonymous variant.
Genome position (GRCh38, 1-based): chr12:117,530,958, C>T on the plus strand (G>A on the coding strand, the complement: KSR2 is on the minus strand). VCF-style: chr12-117530958-C-T. GRCh37 (hg19) VCF-style: chr12-117968763-C-T.
Identifiers: ClinVar variation 4978409 (VCV004978409.1).